The following is an entry in ClinVar:

ClinVar aggregate classification (germline): Likely pathogenic (1 of 4 stars; one submission).

Conditions:
Fanconi anemia (FA). Also called: Fanconi's anemia. Identifiers: Orphanet 84, MedGen C0015625, MeSH D005199, MONDO:0019391.

Submission:

Labcorp Genetics (formerly Invitae), Labcorp
Classification: Likely pathogenic for Fanconi anemia. Last evaluated: 2021-02-02. Review status: criteria provided, single submitter. Criteria: Invitae Variant Classification Sherloc (09022015). Collection method: clinical testing. Allele origin: germline.
Comment: In summary, the currently available evidence indicates that the variant is pathogenic, but additional data are needed to prove that conclusively. Therefore, this variant has been classified as Likely Pathogenic. Algorithms developed to predict the effect of sequence changes on RNA splicing suggest that this variant may disrupt the consensus splice site, but this prediction has not been confirmed by published transcriptional studies. This variant has not been reported in the literature in individuals with FANCD2-related conditions. This variant is not present in population databases (ExAC no frequency). This sequence change affects an acceptor splice site in intron 35 of the FANCD2 gene. It is expected to disrupt RNA splicing. Variants that disrupt the donor or acceptor splice site typically lead to a loss of protein function (PMID: 16199547), and loss-of-function variants in FANCD2 are known to be pathogenic (PMID: 17436244).

Literature cited by the submitters: PubMed 16199547; PubMed 17436244.

NM_001018115.3(FANCD2):c.3561-1del

Genes: FANCD2 (FA complementation group D2; plus strand), FANCD2OS (FANCD2 opposite strand; minus strand). Cytogenetic location: 3p25.3.
Variant type: Deletion.
Coding change: c.3561-1del on transcript NM_001018115.3 (MANE Select); the canonical splice acceptor site of the intron before coding-DNA position 3561, one base deleted (G; older notation c.3561-1delG).
Molecular consequence: splice acceptor variant. On other transcripts: intron variant (1).
Genome position (GRCh38, 1-based): chr3:10,088,827, G deleted. VCF-style (leftmost placement, unchanged base first): chr3-10088826-AG-A. GRCh37 (hg19) VCF-style: chr3-10130510-AG-A.
Other names: c.3561-1del (NM_001319984.2, NM_033084.6, NM_001374254.1); c.3450-1del (NM_001374253.1); c.*44-7296del (NM_173472.2).
Identifiers: ClinVar variation 1505370 (VCV001505370.8), dbSNP rs2125077559, ClinGen allele CA2573136073.